The following is an entry in ClinVar:

ClinVar aggregate classification (germline): Uncertain significance. Review status: criteria provided, multiple submitters, no conflicts (2 of 4 stars). 2 submissions from 2 submitters: Uncertain significance (2). Last evaluated 2024-06-11.

Conditions:
Wilson disease (WND). Also called: Wilson's disease. Identifiers: Orphanet 905, MedGen C0019202, MONDO:0010200, OMIM 277900. Disease mechanism: loss of function.

Allele frequency attached by ClinVar (database versions not stated): gnomAD 0.00001.

Submissions (2):

All of Us Research Program, National Institutes of Health
Classification: Uncertain significance for Wilson disease. Last evaluated: 2024-06-11. Review status: criteria provided, single submitter. Criteria: ACMG Guidelines, 2015. Collection method: clinical testing. Allele origin: germline. Inheritance: Autosomal recessive inheritance. Observed: 1 variant allele, 1 heterozygote.
Comment: This study involves interpretation of variants in research participants for the purpose of population health screening. Participant phenotype was not available at the time of variant classification. Additional details can be found in publication PMID: 35346344, PMCID: PMC8962531

GeneDx
Classification: Uncertain significance. Last evaluated: 2022-02-16. Review status: criteria provided, single submitter. Criteria: GeneDx Variant Classification Process June 2021. Collection method: clinical testing. Allele origin: germline. Affected: yes.
Comment: Not observed at significant frequency in large population cohorts (gnomAD); In silico analysis supports that this missense variant does not alter protein structure/function; Has not been previously published as pathogenic or benign to our knowledge

NM_000053.4(ATP7B):c.3118A>C (p.Met1040Leu)

Gene: ATP7B (ATPase copper transporting beta; minus strand). Cytogenetic location: 13q14.3.
Variant type: single nucleotide variant.
Coding change: c.3118A>C on transcript NM_000053.4 (MANE Select); coding-DNA position 3118, A replaced by C.
Protein change: p.Met1040Leu; replaces methionine 1040 with leucine.
Molecular consequence: missense variant.
Genome position (GRCh38, 1-based): chr13:51,944,234, T>G on the plus strand (A>C on the coding strand, the complement: ATP7B is on the minus strand). VCF-style: chr13-51944234-T-G. GRCh37 (hg19) VCF-style: chr13-52518370-T-G.
Other names: c.2497A>C, p.Met833Leu (NM_001005918.3); c.2785A>C, p.Met929Leu (NM_001243182.2); c.2884A>C, p.Met962Leu (NM_001330578.2); c.2866A>C, p.Met956Leu (NM_001330579.2); short protein forms M1040L, M833L, M929L, M956L, M962L.
Identifiers: ClinVar variation 1702720 (VCV001702720.3), dbSNP rs1957515922, ClinGen allele CA388030341.